The following is an entry in ClinVar:

ClinVar aggregate classification (germline): Benign/Likely benign. Review status: criteria provided, multiple submitters, no conflicts (2 of 4 stars). 3 submissions from 3 submitters: Benign (1); Likely benign (2). Last evaluated 2024-10-04.

Conditions:
Hereditary cancer-predisposing syndrome. Also called: Tumor predisposition; Neoplastic Syndromes, Hereditary; Hereditary Cancer Syndrome; Hereditary neoplastic syndrome. Identifiers: Orphanet 140162, MedGen C0027672, MeSH D009386, MONDO:0015356.
Familial cancer of breast. Also called: hereditary breast carcinoma; BREAST CANCER, FAMILIAL; Hereditary breast cancer. Identifiers: Orphanet 227535, MedGen C0346153, MONDO:0016419, OMIM 114480. Disease mechanism: loss of function.

Submissions (3):

Myriad Genetics, Inc.
Classification: Benign for Familial cancer of breast. Last evaluated: 2024-10-04. Review status: criteria provided, single submitter. Criteria: Myriad Autosomal Dominant, Autosomal Recessive and X-Linked Classification Criteria (2023). Collection method: clinical testing. Allele origin: unknown.
Comment: This variant is considered benign. This variant is a silent/synonymous amino acid change and it is not expected to impact splicing.

Labcorp Genetics (formerly Invitae), Labcorp
Classification: Likely benign for Familial cancer of breast. Last evaluated: 2022-09-19. Review status: criteria provided, single submitter. Criteria: Invitae Variant Classification Sherloc (09022015). Collection method: clinical testing. Allele origin: germline.

Ambry Genetics
Classification: Likely benign for Hereditary cancer-predisposing syndrome. Last evaluated: 2022-09-10. Review status: criteria provided, single submitter. Criteria: Ambry Variant Classification Scheme 2023. Collection method: clinical testing. Allele origin: germline.

NM_007194.4(CHEK2):c.1002T>C (p.Ala334=)

Gene: CHEK2 (checkpoint kinase 2; minus strand). Cytogenetic location: 22q12.1.
Variant type: single nucleotide variant.
Coding change: c.1002T>C on transcript NM_007194.4 (MANE Select); coding-DNA position 1002, T replaced by C.
Protein change: p.Ala334=; no amino-acid change (alanine 334 retained).
Molecular consequence: synonymous variant.
Genome position (GRCh38, 1-based): chr22:28,699,844, A>G on the plus strand (T>C on the coding strand, the complement: CHEK2 is on the minus strand). VCF-style: chr22-28699844-A-G. GRCh37 (hg19) VCF-style: chr22-29095832-A-G.
Other names: c.1131T>C, p.Ala377= (NM_001005735.3); c.339T>C, p.Ala113= (NM_001257387.3); c.801T>C, p.Ala267= (NM_001349956.3); c.1002T>C, p.Ala334= (NM_145862.3).
Identifiers: ClinVar variation 799624 (VCV000799624.13), dbSNP rs1601738112, ClinGen allele CA513945014.